The following is an entry in ClinVar:

ClinVar aggregate classification (germline): Uncertain significance (1 of 4 stars; one submission).

Conditions:
STAT3 gain of function. Identifiers: MedGen C4288261.
Hyper-IgE recurrent infection syndrome 1, autosomal dominant. Also called: STAT3 Hyper IgE Syndrome; HYPER-IgE SYNDROME 1, AUTOSOMAL DOMINANT, WITH RECURRENT INFECTIONS; JOB SYNDROME; Job's Syndrome; Hyper-IgE recurrent infection syndrome 1. Identifiers: Orphanet 2314, MedGen C2936739, MONDO:0007818, OMIM 147060.

Allele frequency attached by ClinVar (database versions not stated): gnomAD exomes below 0.00001 and 0.00001; gnomAD 0.00001; TOPMed 0.00001.
gnomAD v4.1: 6 of 1,607,820 alleles (0.00037%); highest among the groups gnomAD compares: East Asian, 0.0022%; no homozygotes.

Submission:

Labcorp Genetics (formerly Invitae), Labcorp
Classification: Uncertain significance for STAT3 gain of function; Hyper-IgE recurrent infection syndrome 1, autosomal dominant. Last evaluated: 2024-04-03. Review status: criteria provided, single submitter. Criteria: Invitae Variant Classification Sherloc (09022015). Collection method: clinical testing. Allele origin: germline.
Comment: This sequence change replaces arginine, which is basic and polar, with histidine, which is basic and polar, at codon 114 of the STAT3 protein (p.Arg114His). The frequency data for this variant in the population databases is considered unreliable, as metrics indicate poor data quality at this position in the gnomAD database. This variant has not been reported in the literature in individuals affected with STAT3-related conditions. ClinVar contains an entry for this variant (Variation ID: 1502991). Advanced modeling of protein sequence and biophysical properties (such as structural, functional, and spatial information, amino acid conservation, physicochemical variation, residue mobility, and thermodynamic stability) performed at Invitae indicates that this missense variant is not expected to disrupt STAT3 protein function with a negative predictive value of 80%. In summary, the available evidence is currently insufficient to determine the role of this variant in disease. Therefore, it has been classified as a Variant of Uncertain Significance.

NM_139276.3(STAT3):c.341G>A (p.Arg114His)

Gene: STAT3 (signal transducer and activator of transcription 3; minus strand). Cytogenetic location: 17q21.2.
Variant type: single nucleotide variant.
Coding change: c.341G>A on transcript NM_139276.3 (MANE Select); coding-DNA position 341, G replaced by A.
Protein change: p.Arg114His; replaces arginine 114 with histidine.
Molecular consequence: missense variant. On other transcripts: intron variant (1).
Genome position (GRCh38, 1-based): chr17:42,345,590, C>T on the plus strand (G>A on the coding strand, the complement: STAT3 is on the minus strand). VCF-style: chr17-42345590-C-T. GRCh37 (hg19) VCF-style: chr17-40497608-C-T.
Other names: c.341G>A, p.Arg114His (NM_001369512.1, NM_001369513.1, NM_001369514.1 and 16 more transcripts); c.274-11G>A (NM_001384985.1); short protein forms R114H.
Identifiers: ClinVar variation 1502991 (VCV001502991.8), dbSNP rs1344978308, ClinGen allele CA399596466.